The following is an entry in ClinVar:

NM_031475.3(ESPN):c.1049C>G (p.Pro350Arg)

Gene: ESPN (espin; plus strand). Cytogenetic location: 1p36.31.
Variant type: single nucleotide variant.
Coding change: c.1049C>G on transcript NM_031475.3 (MANE Select); coding-DNA position 1049, C replaced by G.
Protein change: p.Pro350Arg; replaces proline 350 with arginine.
Molecular consequence: missense variant.
Genome position (GRCh38, 1-based): chr1:6,444,539, C>G. VCF-style: chr1-6444539-C-G. GRCh37 (hg19) VCF-style: chr1-6504599-C-G.
Other names: c.1049C>G, p.Pro350Arg (NM_001367473.1, NM_001367474.1); short protein forms P350R.
Identifiers: ClinVar variation 227356 (VCV000227356.23), dbSNP rs143645714, ClinGen allele CA560091.

ClinVar aggregate classification (germline): Conflicting classifications of pathogenicity. Review status: criteria provided, conflicting classifications (1 of 4 stars). 7 submissions from 7 submitters: Uncertain significance (1); Benign (1); Likely benign (5). Last evaluated 2025-10-01.

Conditions:
Inborn genetic diseases. Identifiers: MedGen C0950123, MeSH D030342.
ESPN-related disorder. Also called: ESPN-related condition.

Allele frequency attached by ClinVar (database versions not stated): TOPMed 0.00003; ESP Exome Variant Server 0.00008; 1000 Genomes Project 30x 0.00094; 1000 Genomes Project 0.00100.
gnomAD v4.1: 372 of 1,614,226 alleles (0.023%); highest among the groups gnomAD compares: South Asian, 0.34%; 4 homozygotes.

Submissions (7):

CeGaT Center for Human Genetics Tuebingen
Classification: Likely benign. Last evaluated: 2025-10-01. Review status: criteria provided, single submitter. Criteria: CeGaT Center For Human Genetics Tuebingen Variant Classification Criteria Version 2. Collection method: clinical testing. Allele origin: germline. Affected: yes. Observed: 1 variant allele.
Comment: ESPN: BS2

Ambry Genetics
Classification: Uncertain significance for Inborn genetic diseases. Last evaluated: 2025-05-18. Review status: criteria provided, single submitter. Criteria: Ambry Variant Classification Scheme 2023. Collection method: clinical testing. Allele origin: germline.

PreventionGenetics, part of Exact Sciences
Classification: Likely benign for ESPN-related condition. Last evaluated: 2024-12-24. Review status: criteria provided, single submitter. Criteria: ACMG Guidelines, 2015. Collection method: clinical testing. Allele origin: germline.
Comment: This variant is classified as likely benign based on ACMG/AMP sequence variant interpretation guidelines (Richards et al. 2015 PMID: 25741868, with internal and published modifications).

Blueprint Genetics
Classification: Benign. Last evaluated: 2024-11-26. Review status: criteria provided, single submitter. Criteria: ACMG Guidelines, 2015. Collection method: clinical testing. Allele origin: germline.

Labcorp Genetics (formerly Invitae), Labcorp
Classification: Likely benign. Last evaluated: 2024-04-15. Review status: criteria provided, single submitter. Criteria: Invitae Variant Classification Sherloc (09022015). Collection method: clinical testing. Allele origin: germline.

GeneDx
Classification: Likely benign. Last evaluated: 2018-01-09. Review status: criteria provided, single submitter. Criteria: GeneDx Variant Classification (06012015). Collection method: clinical testing. Allele origin: germline. Affected: yes.
Comment: This variant is considered likely benign or benign based on one or more of the following criteria: it is a conservative change, it occurs at a poorly conserved position in the protein, it is predicted to be benign by multiple in silico algorithms, and/or has population frequency not consistent with disease.

Laboratory for Molecular Medicine, Mass General Brigham Personalized Medicine
Classification: Likely benign. Last evaluated: 2016-01-26. Review status: criteria provided, single submitter. Criteria: LMM Criteria. Collection method: clinical testing. Allele origin: germline. Observed: 1 variant allele.
Comment: p.Pro350Arg in Exon 6 of ESPN: This variant is not expected to have clinical sig nificance because it has been identified in 0.39% (64/16512) of South Asian chro mosomes by the Exome Aggregation Consortium (ExAC, g; dbSNP rs143645714)